The following is an entry in ClinVar:

NM_000487.6(ARSA):c.769G>A (p.Asp257Asn)

Gene: ARSA (arylsulfatase A; minus strand). Cytogenetic location: 22q13.33.
Variant type: single nucleotide variant.
Coding change: c.769G>A on transcript NM_000487.6 (MANE Select); coding-DNA position 769, G replaced by A.
Protein change: p.Asp257Asn; replaces aspartic acid 257 with asparagine.
Molecular consequence: missense variant.
Genome position (GRCh38, 1-based): chr22:50,626,676, C>T on the plus strand (G>A on the coding strand, the complement: ARSA is on the minus strand). VCF-style: chr22-50626676-C-T. GRCh37 (hg19) VCF-style: chr22-51065104-C-T.
Other names: c.769G>A, p.Asp257Asn (NM_001085426.3, NM_001085427.3, NM_001085425.3); c.511G>A, p.Asp171Asn (NM_001085428.3, NM_001362782.2); short protein forms D171N, D257N.
Identifiers: ClinVar variation 2999447 (VCV002999447.5), dbSNP rs80338819, ClinGen allele CA10324926.

ClinVar aggregate classification (germline): Likely pathogenic (1 of 4 stars; one submission).

Conditions:
Metachromatic leukodystrophy (MLD). Also called: Cerebral sclerosis diffuse metachromatic form; Arylsulfatase A Deficiency; ARSA DEFICIENCY; CEREBROSIDE SULFATASE DEFICIENCY; METACHROMATIC LEUKOENCEPHALOPATHY; SULFATIDE LIPIDOSIS. Identifiers: Orphanet 512, MedGen C0023522, MONDO:0018868, OMIM 250100.

Allele frequency attached by ClinVar (database versions not stated): ExAC 0.00002.

Submission:

Labcorp Genetics (formerly Invitae), Labcorp
Classification: Likely pathogenic for Metachromatic leukodystrophy. Last evaluated: 2024-10-23. Review status: criteria provided, single submitter. Criteria: Invitae Variant Classification Sherloc (09022015). Collection method: clinical testing. Allele origin: germline.
Comment: This sequence change replaces aspartic acid, which is acidic and polar, with asparagine, which is neutral and polar, at codon 257 of the ARSA protein (p.Asp257Asn). This variant is present in population databases (rs80338819, gnomAD 0.002%). This variant has not been reported in the literature in individuals affected with ARSA-related conditions. Invitae Evidence Modeling of protein sequence and biophysical properties (such as structural, functional, and spatial information, amino acid conservation, physicochemical variation, residue mobility, and thermodynamic stability) indicates that this missense variant is expected to disrupt ARSA protein function with a positive predictive value of 95%. This variant disrupts the p.Asp257 amino acid residue in ARSA. Other variant(s) that disrupt this residue have been determined to be pathogenic (PMID: 8982952, 10477432, 12445909, 15720392). This suggests that this residue is clinically significant, and that variants that disrupt this residue are likely to be disease-causing. In summary, the currently available evidence indicates that the variant is pathogenic, but additional data are needed to prove that conclusively. Therefore, this variant has been classified as Likely Pathogenic.

Literature cited by the submitters: PubMed 8982952; PubMed 10477432; PubMed 12445909; PubMed 15720392.